The following is an entry in ClinVar:

ClinVar aggregate classification (germline): Likely benign (0 of 4 stars; one submission).

Conditions:
POU3F3-related disorder. Also called: POU3F3-related condition.

Submission:

PreventionGenetics, part of Exact Sciences
Classification: Likely benign for POU3F3-related condition. Last evaluated: 2020-04-29. Review status: no assertion criteria provided. Collection method: clinical testing. Allele origin: germline.
Comment: This variant is classified as likely benign based on ACMG/AMP sequence variant interpretation guidelines (Richards et al. 2015 PMID: 25741868, with internal and published modifications).

NM_006236.3(POU3F3):c.309CGC[6] (p.Ala115del)

Gene: POU3F3 (POU class 3 homeobox 3; plus strand). Cytogenetic location: 2q12.1.
Variant type: Microsatellite.
Coding change: c.309CGC[6] on transcript NM_006236.3 (MANE Select); six copies in a row of the 3-base unit CGC starting at c.309; the reference has seven copies in a row; one copy, 3 bases deleted.
Protein change: p.Ala115del; deletes alanine 115.
Genome position (GRCh38, 1-based): chr2:104,855,837-104,855,839, CGC deleted; deleting any 3 consecutive bases within chr2:104,855,819-104,855,839 gives the same sequence; the position shown is the placement nearest the transcript's 3' end. VCF-style (leftmost placement, unchanged base first): chr2-104855818-ACGC-A. GRCh37 (hg19) VCF-style: chr2-105472276-ACGC-A.
Other names: short protein forms A115del.
Identifiers: ClinVar variation 3038411 (VCV003038411.2), dbSNP rs754300848, ClinGen allele CA1812917.